The following is an entry in ClinVar:

NC_000001.10:g.(?_11906066)_(12066770_?)dup

Genes: KIAA2013 (KIAA2013; minus strand), MFN2 (mitofusin 2; plus strand), NPPA (natriuretic peptide A; minus strand), NPPB (natriuretic peptide B; minus strand), PLOD1 (procollagen-lysine,2-oxoglutarate 5-dioxygenase 1; plus strand). Cytogenetic location: 1p36.22.
Variant type: Duplication.
Identifiers: ClinVar variation 2425997 (VCV002425997.4).

ClinVar aggregate classification (germline): Uncertain significance (1 of 4 stars; one submission).

Conditions:
Charcot-Marie-Tooth disease type 2. Also called: Charcot-Marie-Tooth type 2. Identifiers: Orphanet 64746, MedGen C0270914, MONDO:0018993.

Submission:

Labcorp Genetics (formerly Invitae), Labcorp
Classification: Uncertain significance for Charcot-Marie-Tooth disease type 2. Last evaluated: 2021-12-18. Review status: criteria provided, single submitter. Criteria: Invitae Variant Classification Sherloc (09022015). Collection method: clinical testing. Allele origin: germline.
Comment: In summary, the available evidence is currently insufficient to determine the role of this variant in disease. Therefore, it has been classified as a Variant of Uncertain Significance. This variant has not been reported in the literature in individuals affected with MFN2-related conditions. This variant results in a copy number gain of the genomic region encompassing exon(s) 1-16 of the MFN2 gene. This region includes the initiator codon of the gene. This copy number gain extends beyond the assayed region for this gene and therefore may encompass additional genes. As the precise location of this event is unknown, it may be in tandem or it may be located elsewhere in the genome.